The following is an entry in ClinVar:

ClinVar aggregate classification (germline): Uncertain significance (1 of 4 stars; one submission).

Conditions:
USH2A-related disorder. Also called: USH2A-related condition; USH2A-related disorders. Identifiers: MedGen CN239332.

gnomAD v4.1: 1 of 1,614,118 alleles (0.000062%); highest among the groups gnomAD compares: Non-Finnish European, 0.000085%; no homozygotes.

Submission:

PreventionGenetics, part of Exact Sciences
Classification: Uncertain significance for USH2A-related condition. Last evaluated: 2025-06-20. Review status: criteria provided, single submitter. Criteria: ACMG Guidelines, 2015. Collection method: clinical testing. Allele origin: germline.
Comment: The USH2A c.14578C>T variant is predicted to result in the amino acid substitution p.His4860Tyr. To our knowledge, this variant has not been reported in the literature or in a large population database (gnomAD), indicating this variant is rare. At this time, the clinical significance of this variant is uncertain due to the absence of conclusive functional and genetic evidence.

NM_206933.4(USH2A):c.14578C>T (p.His4860Tyr)

Gene: USH2A (usherin; minus strand). Cytogenetic location: 1q41.
Variant type: single nucleotide variant.
Coding change: c.14578C>T on transcript NM_206933.4 (MANE Select); coding-DNA position 14578, C replaced by T.
Protein change: p.His4860Tyr; replaces histidine 4860 with tyrosine.
Molecular consequence: missense variant.
Genome position (GRCh38, 1-based): chr1:215,648,532, G>A on the plus strand (C>T on the coding strand, the complement: USH2A is on the minus strand). VCF-style: chr1-215648532-G-A. GRCh37 (hg19) VCF-style: chr1-215821874-G-A.
Other names: short protein forms H4860Y.
Identifiers: ClinVar variation 4998708 (VCV004998708.1).